The following is an entry in ClinVar:

NM_022047.4(DEF6):c.1090C>G (p.Leu364Val)

Gene: DEF6 (DEF6 guanine nucleotide exchange factor; plus strand). Cytogenetic location: 6p21.31.
Variant type: single nucleotide variant.
Coding change: c.1090C>G on transcript NM_022047.4 (MANE Select); coding-DNA position 1090, C replaced by G.
Protein change: p.Leu364Val; replaces leucine 364 with valine.
Molecular consequence: missense variant.
Genome position (GRCh38, 1-based): chr6:35,318,346, C>G. VCF-style: chr6-35318346-C-G. GRCh37 (hg19) VCF-style: chr6-35286123-C-G.
Other names: short protein forms L364V.
Identifiers: ClinVar variation 2201286 (VCV002201286.4), dbSNP rs1232746408, ClinGen allele CA363766780.
Genomic context (GRCh38, chr6:35,318,346, plus strand): 5'-GAAGAGGAGCTGCTGCGGCTGCAGCAGCTGCAGGAGGAGAAGGAGCGGAAGCTGCAGGAG[C>G]TGGAGCTGCTGCAGGAGGCGCAGCGGCAGGCCGAGCGGCTGCTGCAGGAGGAGGAGGAAC-3'
Protein context (NP_071330.3, residues 354-374): QEEKERKLQE[Leu364Val]ELLQEAQRQA

ClinVar aggregate classification (germline): Uncertain significance (1 of 4 stars; one submission).

Allele frequency attached by ClinVar (database versions not stated): gnomAD exomes 0.00001; TOPMed 0.00001; gnomAD 0.00002.
gnomAD v4.1: 21 of 1,543,604 alleles (0.0014%); highest among the groups gnomAD compares: Non-Finnish European, 0.0017%; no homozygotes.

Submission:

Labcorp Genetics (formerly Invitae), Labcorp
Classification: Uncertain significance. Last evaluated: 2023-03-30. Review status: criteria provided, single submitter. Criteria: Invitae Variant Classification Sherloc (09022015). Collection method: clinical testing. Allele origin: germline.
Comment: In summary, the available evidence is currently insufficient to determine the role of this variant in disease. Therefore, it has been classified as a Variant of Uncertain Significance. An algorithm developed to predict the effect of missense changes on protein structure and function (PolyPhen-2) suggests that this variant is likely to be disruptive. ClinVar contains an entry for this variant (Variation ID: 2201286). This variant has not been reported in the literature in individuals affected with DEF6-related conditions. This variant is present in population databases (no rsID available, gnomAD 0.003%). This sequence change replaces leucine, which is neutral and non-polar, with valine, which is neutral and non-polar, at codon 364 of the DEF6 protein (p.Leu364Val).